The following is an entry in ClinVar:

NM_181882.3(PRX):c.509T>C (p.Leu170Pro)

Gene: PRX (periaxin; minus strand). Cytogenetic location: 19q13.2.
Variant type: single nucleotide variant.
Coding change: c.509T>C on transcript NM_181882.3 (MANE Select); coding-DNA position 509, T replaced by C.
Protein change: p.Leu170Pro; replaces leucine 170 with proline.
Molecular consequence: missense variant. On other transcripts: 3 prime UTR variant (1).
Genome position (GRCh38, 1-based): chr19:40,397,843, A>G on the plus strand (T>C on the coding strand, the complement: PRX is on the minus strand). VCF-style: chr19-40397843-A-G. GRCh37 (hg19) VCF-style: chr19-40903750-A-G.
Other names: c.*714T>C (NM_020956.2); short protein forms L170P.
Identifiers: ClinVar variation 476977 (VCV000476977.8), dbSNP rs1387520113, ClinGen allele CA405900357.

ClinVar aggregate classification (germline): Uncertain significance (1 of 4 stars; one submission).

Conditions:
Charcot-Marie-Tooth disease type 4. Also called: Charcot-Marie-Tooth disease, type IV; Charcot-Marie-Tooth, Type 4. Identifiers: Orphanet 64749, MedGen C4082197, MONDO:0018995.

gnomAD v4.1: 4 of 1,601,140 alleles (0.00025%); highest among the groups gnomAD compares: Non-Finnish European, 0.00034%; no homozygotes.

Submission:

Labcorp Genetics (formerly Invitae), Labcorp
Classification: Uncertain significance for Charcot-Marie-Tooth disease type 4. Last evaluated: 2022-11-08. Review status: criteria provided, single submitter. Criteria: Invitae Variant Classification Sherloc (09022015). Collection method: clinical testing. Allele origin: germline.
Comment: In summary, the available evidence is currently insufficient to determine the role of this variant in disease. Therefore, it has been classified as a Variant of Uncertain Significance. Algorithms developed to predict the effect of missense changes on protein structure and function (SIFT, PolyPhen-2, Align-GVGD) all suggest that this variant is likely to be disruptive. ClinVar contains an entry for this variant (Variation ID: 476977). This variant has not been reported in the literature in individuals affected with PRX-related conditions. This variant is not present in population databases (gnomAD no frequency). This sequence change replaces leucine, which is neutral and non-polar, with proline, which is neutral and non-polar, at codon 170 of the PRX protein (p.Leu170Pro).